The following is an entry in ClinVar:

ClinVar aggregate classification (germline): Pathogenic (1 of 4 stars; one submission).

Conditions:
Charcot-Marie-Tooth disease type 2. Also called: Charcot-Marie-Tooth type 2. Identifiers: Orphanet 64746, MedGen C0270914, MONDO:0018993.

Submission:

Labcorp Genetics (formerly Invitae), Labcorp
Classification: Pathogenic for Charcot-Marie-Tooth disease type 2. Last evaluated: 2021-04-20. Review status: criteria provided, single submitter. Criteria: Invitae Variant Classification Sherloc (09022015). Collection method: clinical testing. Allele origin: germline.
Comment: For these reasons, this variant has been classified as Pathogenic. This variant disrupts the p.Glu82 amino acid residue in LMNA. Other variant(s) that disrupt this residue have been determined to be pathogenic (PMID: 16630578, 20155465, 20497714, 21151901). This suggests that this residue is clinically significant, and that variants that disrupt this residue are likely to be disease-causing. This variant has been observed in individual(s) with clinical features of LMNA-related conditions (Invitae). In at least one individual the variant was observed to be de novo. ClinVar contains an entry for this variant (Variation ID: 1010089). This variant is not present in population databases (ExAC no frequency). This variant, c.239_256del, results in the deletion of 6 amino acid(s) of the LMNA protein (p.Ala80_Leu85del), but otherwise preserves the integrity of the reading frame.

Literature cited by the submitters: PubMed 16630578; PubMed 20155465; PubMed 20497714; PubMed 21151901.

NM_170707.4(LMNA):c.239_256del (p.Ala80_Leu85del)

Gene: LMNA (lamin A/C; plus strand). Cytogenetic location: 1q22.
Variant type: Deletion.
Coding change: c.239_256del on transcript NM_170707.4 (MANE Select); coding-DNA positions 239 to 256, 18 bases deleted (CCTACGAGGCCGAGCTCG).
Protein change: p.Ala80_Leu85del.
Molecular consequence: inframe deletion.
Genome position (GRCh38, 1-based): chr1:156,115,157-156,115,174, CCTACGAGGCCGAGCTCG deleted; deleting any 18 consecutive bases within chr1:156,115,155-156,115,174 gives the same sequence; the c. name uses the placement nearest the transcript's 3' end. VCF-style (leftmost placement, unchanged base first): chr1-156115154-CCGCCTACGAGGCCGAGCT-C. GRCh37 (hg19) VCF-style: chr1-156084945-CCGCCTACGAGGCCGAGCT-C.
Other names: c.239_256del, p.Ala80_Leu85del (NM_001282625.2, NM_001282626.2, NM_005572.4 and 1 more transcripts).
Identifiers: ClinVar variation 1010089 (VCV001010089.8), dbSNP rs1649729767, ClinGen allele CA1200463987.